The following is an entry in ClinVar:

ClinVar aggregate classification (germline): Likely benign (1 of 4 stars; one submission).

gnomAD v4.1: 14 of 1,209,957 alleles (0.0012%); highest among the groups gnomAD compares: East Asian, 0.018%; no homozygotes.

Submission:

CeGaT Center for Human Genetics Tuebingen
Classification: Likely benign. Last evaluated: 2024-08-01. Review status: criteria provided, single submitter. Criteria: CeGaT Center For Human Genetics Tuebingen Variant Classification Criteria Version 2. Collection method: clinical testing. Allele origin: germline. Affected: yes. Observed: 1 variant allele.
Comment: NLGN4X: BP4, BP7, BS2

NM_181332.3(NLGN4X):c.1368C>T (p.Thr456=)

Gene: NLGN4X (neuroligin 4 X-linked; minus strand). Cytogenetic location: Xp22.32.
Variant type: single nucleotide variant.
Coding change: c.1368C>T on transcript NM_181332.3 (MANE Select); coding-DNA position 1368, C replaced by T.
Protein change: p.Thr456=; no amino-acid change (threonine 456 retained).
Molecular consequence: synonymous variant.
Genome position (GRCh38, 1-based): chrX:5,903,310, G>A on the plus strand (C>T on the coding strand, the complement: NLGN4X is on the minus strand). VCF-style: chrX-5903310-G-A. GRCh37 (hg19) VCF-style: chrX-5821351-G-A.
Other names: c.1368C>T, p.Thr456= (NM_001282145.2, NM_001282146.2, NM_020742.4).
Identifiers: ClinVar variation 3341802 (VCV003341802.16).